The following is an entry in ClinVar:

NC_000022.11:g.40346275G>A

Gene: ADSL (adenylosuccinate lyase; plus strand). Cytogenetic location: 22q13.1.
Variant type: single nucleotide variant.
Genome position: GRCh38 VCF-style: chr22-40346275-G-A. GRCh37 (hg19) VCF-style: chr22-40742279-G-A.
Identifiers: ClinVar variation 2044083 (VCV002044083.5), dbSNP rs2518076140, ClinGen allele CA2580099849.
Genomic context (GRCh38, chr22:40,346,275, plus strand): 5'-CTCCGGTCTGGGGCCCCCACAGTGCTGGGATTACAAGCGTGAGCCACCGCGCCCGGCCAA[G>A]GAAGTCTTAATGTACCTCTTTTCAGACAGGAAAACTAAAGTGTAGCGCGGCTAAGTAACG-3'

ClinVar aggregate classification (germline): Uncertain significance (1 of 4 stars; one submission).

Conditions:
Adenylosuccinate lyase deficiency (ADSLD). Also called: ADSL DEFICIENCY. Identifiers: Orphanet 46, MedGen C0268126, MONDO:0007068, OMIM 103050.

Submission:

Labcorp Genetics (formerly Invitae), Labcorp
Classification: Uncertain significance for Adenylosuccinate lyase deficiency. Last evaluated: 2021-12-15. Review status: criteria provided, single submitter. Criteria: Invitae Variant Classification Sherloc (09022015). Collection method: clinical testing. Allele origin: germline.
Comment: This variant occurs in a non-coding region of the ADSL gene. It does not change the encoded amino acid sequence of the ADSL protein. In summary, the available evidence is currently insufficient to determine the role of this variant in disease. Therefore, it has been classified as a Variant of Uncertain Significance. Experimental studies and prediction algorithms are not available or were not evaluated, and the functional significance of this variant is currently unknown. This variant has not been reported in the literature in individuals affected with ADSL-related conditions. This variant is not present in population databases (gnomAD no frequency).